The following is an entry in ClinVar:

ClinVar aggregate classification (germline): Uncertain significance (1 of 4 stars; one submission).

Allele frequency attached by ClinVar (database versions not stated): gnomAD exomes below 0.00001; TOPMed below 0.00001; ExAC 0.00001.

Submission:

GeneDx
Classification: Uncertain significance. Last evaluated: 2024-06-21. Review status: criteria provided, single submitter. Criteria: GeneDx Variant Classification Process June 2021. Collection method: clinical testing. Allele origin: germline.
Comment: Not observed at significant frequency in large population cohorts (gnomAD); In silico analysis indicates that this missense variant does not alter protein structure/function; Has not been previously published as pathogenic or benign to our knowledge

NM_000540.3(RYR1):c.3507G>A (p.Met1169Ile)

Gene: RYR1 (ryanodine receptor 1; plus strand). Cytogenetic location: 19q13.2.
Variant type: single nucleotide variant.
Coding change: c.3507G>A on transcript NM_000540.3 (MANE Select); coding-DNA position 3507, G replaced by A.
Protein change: p.Met1169Ile; replaces methionine 1169 with isoleucine.
Molecular consequence: missense variant.
Genome position (GRCh38, 1-based): chr19:38,469,091, G>A. VCF-style: chr19-38469091-G-A. GRCh37 (hg19) VCF-style: chr19-38959731-G-A.
Other names: c.3507G>A, p.Met1169Ile (NM_001042723.2); short protein forms M1169I.
Identifiers: ClinVar variation 2579883 (VCV002579883.2), dbSNP rs776575204, ClinGen allele CA064952.
Genomic context (GRCh38, chr19:38,469,091, plus strand): 5'-CTGTATGATCGACCTCACAGAGAACACCATTATCTTCACCCTCAATGGCGAGGTCCTCAT[G>A]TCTGACTCAGGCTCCGAAACAGCCTTCCGGGAGATTGAGATTGGGGACGGTGAGGGCTGA-3'
Protein context (NP_000531.2, residues 1159-1179): IIFTLNGEVL[Met1169Ile]SDSGSETAFR